The following is an entry in ClinVar:

ClinVar aggregate classification (germline): Pathogenic/Likely pathogenic. Review status: criteria provided, multiple submitters, no conflicts (2 of 4 stars). 4 submissions from 4 submitters: Pathogenic (2); Likely pathogenic (1). 1 of the submissions does not count toward it. Last evaluated 2024-02-09.

Conditions:
Usher syndrome type 2. Also called: Usher Syndrome Type II. Identifiers: Orphanet 231178, MedGen C0339534, MONDO:0016484.
Usher syndrome type 1C. Also called: USHER SYNDROME, TYPE I, ACADIAN VARIETY. Identifiers: Orphanet 231169, Orphanet 886, MedGen C1848604, MONDO:0010171, OMIM 276904.
Autosomal recessive nonsyndromic hearing loss 18A. Also called: DEAFNESS, AUTOSOMAL RECESSIVE 18; Deafness, autosomal recessive 18A. Identifiers: Orphanet 90636, MedGen C1865870, MONDO:0011192, OMIM 602092.

Submissions (4):

Labcorp Genetics (formerly Invitae), Labcorp
Classification: Pathogenic. Last evaluated: 2024-02-09. Review status: criteria provided, single submitter. Criteria: Invitae Variant Classification Sherloc (09022015). Collection method: clinical testing. Allele origin: germline.
Comment: This sequence change creates a premature translational stop signal (p.Ser281Profs*28) in the USH1C gene. It is expected to result in an absent or disrupted protein product. Loss-of-function variants in USH1C are known to be pathogenic (PMID: 10973247, 17407589, 20301442, 21203349). This variant is not present in population databases (gnomAD no frequency). This premature translational stop signal has been observed in individual(s) with USH1C-related conditions (PMID: 32531858). ClinVar contains an entry for this variant (Variation ID: 424972). Algorithms developed to predict the effect of sequence changes on RNA splicing suggest that this variant may disrupt the consensus splice site. For these reasons, this variant has been classified as Pathogenic.

Molecular Genetics Laboratory, Institute for Ophthalmic Research
Classification: Pathogenic for Usher syndrome type 2. Last evaluated: 2020-01-09. Review status: criteria provided, single submitter. Criteria: ACMG Guidelines, 2015. Collection method: research. Allele origin: germline. Affected: yes.

CeGaT Center for Human Genetics Tuebingen
Classification: Likely pathogenic. Last evaluated: 2016-11-01. Review status: criteria provided, single submitter. Criteria: CeGaT Center For Human Genetics Tuebingen Variant Classification Criteria Version 2. Collection method: clinical testing. Allele origin: germline. Affected: yes. Observed: 1 variant allele.

Counsyl
Classification: Likely pathogenic for Usher syndrome type 1C; Autosomal recessive nonsyndromic hearing loss 18A. Last evaluated: 2018-01-23. Review status: no assertion criteria provided. Collection method: clinical testing. Allele origin: unknown. Not counted in ClinVar's aggregate classification.

Literature cited by the submitters: PubMed 10973247 (cited by Labcorp Genetics (formerly Invitae), Labcorp); PubMed 17407589 (cited by Labcorp Genetics (formerly Invitae), Labcorp); PubMed 20301442 (cited by Labcorp Genetics (formerly Invitae), Labcorp); PubMed 21203349 (cited by Labcorp Genetics (formerly Invitae), Labcorp); PubMed 32531858 (cited by Labcorp Genetics (formerly Invitae), Labcorp).

NM_153676.4(USH1C):c.841_848del (p.Ser281fs)

Gene: USH1C (USH1 protein network component harmonin; minus strand). Cytogenetic location: 11p15.1.
Variant type: Deletion.
Coding change: c.841_848del on transcript NM_153676.4 (MANE Select); coding-DNA positions 841 to 848, 8 bases deleted (AGCCGCAG; older notation c.841_848delAGCCGCAG).
Protein change: p.Ser281fs; shifts the reading frame from serine 281.
Molecular consequence: frameshift variant. On other transcripts: non-coding transcript variant (1), intron variant (1).
Genome position (GRCh38, 1-based): chr11:17,523,239-17,523,246, CTGCGGCT deleted on the plus strand (AGCCGCAG on the coding strand, the reverse complement: USH1C is on the minus strand). VCF-style (leftmost placement, unchanged base first): chr11-17523238-GCTGCGGCT-G. GRCh37 (hg19) VCF-style: chr11-17544785-GCTGCGGCT-G.
Other names: c.841_848del (NM_005709.3); c.841_848del8 (NM_005709.3); c.841_848del, p.Ser281fs (NM_005709.4); c.819+173_819+180del (NM_001297764.2); short protein forms S281fs.
Identifiers: ClinVar variation 424972 (VCV000424972.48), dbSNP rs1064797153, ClinGen allele CA16621616.